The following is an entry in ClinVar:

ClinVar aggregate classification (germline): Uncertain significance (1 of 4 stars; one submission).

Allele frequency attached by ClinVar (database versions not stated): gnomAD exomes below 0.00001; ExAC 0.00001.

Submission:

Labcorp Genetics (formerly Invitae), Labcorp
Classification: Uncertain significance. Last evaluated: 2022-04-18. Review status: criteria provided, single submitter. Criteria: Invitae Variant Classification Sherloc (09022015). Collection method: clinical testing. Allele origin: germline.
Comment: This sequence change replaces glycine, which is neutral and non-polar, with serine, which is neutral and polar, at codon 278 of the MPDZ protein (p.Gly278Ser). This variant is present in population databases (rs776439366, gnomAD 0.003%). This variant has not been reported in the literature in individuals affected with MPDZ-related conditions. Algorithms developed to predict the effect of missense changes on protein structure and function (SIFT, PolyPhen-2, Align-GVGD) all suggest that this variant is likely to be disruptive. In summary, the available evidence is currently insufficient to determine the role of this variant in disease. Therefore, it has been classified as a Variant of Uncertain Significance.

NM_001378778.1(MPDZ):c.832G>A (p.Gly278Ser)

Gene: MPDZ (multiple PDZ domain crumbs cell polarity complex component; minus strand). Cytogenetic location: 9p23.
Variant type: single nucleotide variant.
Coding change: c.832G>A on transcript NM_001378778.1 (MANE Select); coding-DNA position 832, G replaced by A.
Protein change: p.Gly278Ser; replaces glycine 278 with serine.
Molecular consequence: missense variant.
Genome position (GRCh38, 1-based): chr9:13,221,416, C>T on the plus strand (G>A on the coding strand, the complement: MPDZ is on the minus strand). VCF-style: chr9-13221416-C-T. GRCh37 (hg19) VCF-style: chr9-13221415-C-T.
Other names: c.832G>A, p.Gly278Ser (NM_001261406.2, NM_001261407.2, NM_001330637.2 and 14 more transcripts); short protein forms G278S.
Identifiers: ClinVar variation 1953397 (VCV001953397.5), dbSNP rs776439366, ClinGen allele CA4987992.
Genomic context (GRCh38, chr9:13,221,416, plus strand): 5'-TATTGATGTAGCCTACCTGATCAGCTACTCCTCCAGGCAGAATGGTTTTTACTATCACAC[C>T]AGTTGCTTTTCCTCCTATGATGCCAAATCCCAAACCAGATCCATCATTCACCAATTCAAT-3'
Protein context (NP_001365707.1, residues 268-288): GFGIIGGKAT[Gly278Ser]VIVKTILPGG